The following is an entry in ClinVar:

NM_016599.5(MYOZ2):c.560+9A>G

Gene: MYOZ2 (myozenin 2; plus strand). Cytogenetic location: 4q26.
Variant type: single nucleotide variant.
Coding change: c.560+9A>G on transcript NM_016599.5 (MANE Select); 9 bases into the intron after coding-DNA position 560, A replaced by G.
Molecular consequence: intron variant.
Genome position (GRCh38, 1-based): chr4:119,164,403, A>G. VCF-style: chr4-119164403-A-G. GRCh37 (hg19) VCF-style: chr4-120085558-A-G.
Identifiers: ClinVar variation 45785 (VCV000045785.7), dbSNP rs397517290, ClinGen allele CA137043.
Genomic context (GRCh38, chr4:119,164,403, plus strand): 5'-TTTTCAAGCCTGAAGGAAAGGCAGAACTGCCTGATTACAGGAGCTTTAACAGGTAATTCA[A>G]TGGTCCTGGGTGACACTGTTGGCATGCAATACCAAAATTTTTTCATCATGGTACAGATAA-3'

ClinVar aggregate classification (germline): Likely benign. Review status: criteria provided, multiple submitters, no conflicts (2 of 4 stars). 2 submissions from 2 submitters: Likely benign (2). Last evaluated 2025-01-02.

Conditions:
Hypertrophic cardiomyopathy. Also called: HYPERTROPHIC MYOCARDIOPATHY. Identifiers: Orphanet 217569, MedGen C0007194, MeSH D002312, MONDO:0005045, HP:0001639.

Allele frequency attached by ClinVar (database versions not stated): gnomAD exomes below 0.00001 and 0.00001; ExAC 0.00001.
gnomAD v4.1: 5 of 1,613,926 alleles (0.00031%); highest among the groups gnomAD compares: South Asian, 0.0011%; no homozygotes.

Submissions (2):

Labcorp Genetics (formerly Invitae), Labcorp
Classification: Likely benign for Hypertrophic cardiomyopathy. Last evaluated: 2025-01-02. Review status: criteria provided, single submitter. Criteria: Invitae Variant Classification Sherloc (09022015). Collection method: clinical testing. Allele origin: germline.

Laboratory for Molecular Medicine, Mass General Brigham Personalized Medicine
Classification: Likely benign. Last evaluated: 2012-06-19. Review status: criteria provided, single submitter. Criteria: LMM Criteria. Collection method: clinical testing. Allele origin: germline. Observed: 1 variant allele.
Comment: The 560+9A>G variant in Intron 5 of MYOZ2: This variant is not expected to have clinical significance because it is not located within the conserved splice cons ensus sequence.